The following is an entry in ClinVar:

NM_001037333.3(CYFIP2):c.1400T>C (p.Met467Thr)

Gene: CYFIP2 (cytoplasmic FMR1 interacting protein 2; plus strand). Cytogenetic location: 5q33.3.
Variant type: single nucleotide variant.
Coding change: c.1400T>C on transcript NM_001037333.3 (MANE Select); coding-DNA position 1400, T replaced by C.
Protein change: p.Met467Thr; replaces methionine 467 with threonine.
Molecular consequence: missense variant.
Genome position (GRCh38, 1-based): chr5:157,319,805, T>C. VCF-style: chr5-157319805-T-C. GRCh37 (hg19) VCF-style: chr5-156746813-T-C.
Other names: c.1322T>C, p.Met441Thr (NM_001291721.2); c.1400T>C, p.Met467Thr (NM_001291722.2, NM_014376.4); short protein forms M441T, M467T.
Identifiers: ClinVar variation 2004070 (VCV002004070.4), dbSNP rs2532391715, ClinGen allele CA361968877.

ClinVar aggregate classification (germline): Uncertain significance (1 of 4 stars; one submission).

Submission:

Labcorp Genetics (formerly Invitae), Labcorp
Classification: Uncertain significance. Last evaluated: 2022-08-03. Review status: criteria provided, single submitter. Criteria: Invitae Variant Classification Sherloc (09022015). Collection method: clinical testing. Allele origin: germline.
Comment: This sequence change replaces methionine, which is neutral and non-polar, with threonine, which is neutral and polar, at codon 467 of the CYFIP2 protein (p.Met467Thr). This variant is not present in population databases (gnomAD no frequency). This variant has not been reported in the literature in individuals affected with CYFIP2-related conditions. In summary, the available evidence is currently insufficient to determine the role of this variant in disease. Therefore, it has been classified as a Variant of Uncertain Significance. Algorithms developed to predict the effect of missense changes on protein structure and function are either unavailable or do not agree on the potential impact of this missense change (SIFT: "Tolerated"; PolyPhen-2: "Not Available"; Align-GVGD: "Class C0").